The following is an entry in ClinVar:

ClinVar aggregate classification (germline): Uncertain significance (1 of 4 stars; one submission).

Allele frequency attached by ClinVar (database versions not stated): ExAC 0.00001; gnomAD 0.00001; gnomAD exomes 0.00001 and 0.00002.

Submission:

GeneDx
Classification: Uncertain significance. Last evaluated: 2020-03-09. Review status: criteria provided, single submitter. Criteria: GeneDx Variant Classification Process June 2021. Collection method: clinical testing. Allele origin: germline. Affected: yes.
Comment: In silico analysis supports that this missense variant does not alter protein structure/function; Has not been previously published as pathogenic or benign to our knowledge

NM_004959.5(NR5A1):c.737G>A (p.Gly246Asp)

Gene: NR5A1 (nuclear receptor subfamily 5 group A member 1; minus strand). Cytogenetic location: 9q33.3.
Variant type: single nucleotide variant.
Coding change: c.737G>A on transcript NM_004959.5 (MANE Select); coding-DNA position 737, G replaced by A.
Protein change: p.Gly246Asp; replaces glycine 246 with aspartic acid.
Molecular consequence: missense variant.
Genome position (GRCh38, 1-based): chr9:124,500,223, C>T on the plus strand (G>A on the coding strand, the complement: NR5A1 is on the minus strand). VCF-style: chr9-124500223-C-T. GRCh37 (hg19) VCF-style: chr9-127262502-C-T.
Other names: short protein forms G246D.
Identifiers: ClinVar variation 1212154 (VCV001212154.3), dbSNP rs751335447, ClinGen allele CA5235407.